The following is an entry in ClinVar:

NM_017934.7(PHIP):c.4157G>A (p.Arg1386Lys)

Genes: IRAK1BP1 (interleukin 1 receptor associated kinase 1 binding protein 1; plus strand), PHIP (PHIP subunit of CUL4-Ring ligase complex; minus strand). Cytogenetic location: 6q14.1.
Variant type: single nucleotide variant.
Coding change: c.4157G>A on transcript NM_017934.7 (MANE Select); coding-DNA position 4157, G replaced by A.
Protein change: p.Arg1386Lys; replaces arginine 1386 with lysine.
Molecular consequence: missense variant.
Genome position (GRCh38, 1-based): chr6:78,947,672, C>T on the plus strand (G>A on the coding strand, the complement: PHIP is on the minus strand). VCF-style: chr6-78947672-C-T. GRCh37 (hg19) VCF-style: chr6-79657389-C-T.
Other names: short protein forms R1386K.
Identifiers: ClinVar variation 4680913 (VCV004680913.2).

ClinVar aggregate classification (germline): Uncertain significance (1 of 4 stars; one submission).

Submission:

GeneDx
Classification: Uncertain significance. Last evaluated: 2026-02-19. Review status: criteria provided, single submitter. Criteria: GeneDx Variant Classification Process June 2021. Collection method: clinical testing. Allele origin: germline.
Comment: Not observed at significant frequency in large population cohorts (gnomAD); In silico analysis supports that this missense variant has a deleterious effect on protein structure/function; Has not been previously published as pathogenic or benign to our knowledge